The following is an entry in ClinVar:

NM_007294.4(BRCA1):c.5093A>G (p.Glu1698Gly)

Gene: BRCA1 (BRCA1 DNA repair associated; minus strand). Cytogenetic location: 17q21.31.
Variant type: single nucleotide variant.
Coding change: c.5093A>G on transcript NM_007294.4 (MANE Select); coding-DNA position 5093, A replaced by G.
Protein change: p.Glu1698Gly; replaces glutamic acid 1698 with glycine.
Molecular consequence: missense variant. On other transcripts: non-coding transcript variant (1).
Genome position (GRCh38, 1-based): chr17:43,063,933, T>C on the plus strand (A>G on the coding strand, the complement: BRCA1 is on the minus strand). VCF-style: chr17-43063933-T-C. GRCh37 (hg19) VCF-style: chr17-41215950-T-C.
Other names: c.4754A>G, p.Glu1585Gly (NM_001407956.1, NM_001407957.1, NM_001407958.1); c.4712A>G, p.Glu1571Gly (NM_001407959.1); c.1850A>G, p.Glu617Gly (NM_001407971.1, NM_001407970.1); c.1847A>G, p.Glu616Gly (NM_001407972.1); c.1784A>G, p.Glu595Gly (NM_001407973.1, NM_001407974.1, NM_001407975.1 and 3 more transcripts); c.1781A>G, p.Glu594Gly (NM_001407979.1, NM_001407993.1, NM_007298.4 and 13 more transcripts); c.1778A>G, p.Glu593Gly (NM_001408392.1, NM_001408396.1, NM_001408397.1 and 8 more transcripts); c.1703A>G, p.Glu568Gly (NM_001408414.1, NM_001408415.1, NM_001408416.1 and 2 more transcripts); and 71 more; short protein forms E1698G, E594G, E1719G, E1651G, E1402G, E1570G, E1571G, E1608G.
Identifiers: ClinVar variation 868634 (VCV000868634.8), dbSNP rs2051929401, ClinGen allele CA10591338.

ClinVar aggregate classification (germline): Uncertain significance (1 of 4 stars; one submission).

Conditions:
Hereditary breast ovarian cancer syndrome. Also called: Hereditary breast and ovarian cancer; Hereditary breast and ovarian cancer syndrome (HBOC); Breast and ovarian cancer; Hereditary breast and/or ovarian cancer syndrome; BRCA1- and BRCA2-Associated Hereditary Breast and Ovarian Cancer; Hereditary breast and ovarian cancer syndrome. Identifiers: Orphanet 145, MedGen C0677776, MeSH D061325, MONDO:0003582. Disease mechanism: loss of function.

Submissions (2):

Labcorp Genetics (formerly Invitae), Labcorp
Classification: Uncertain significance for Hereditary breast ovarian cancer syndrome. Last evaluated: 2023-07-08. Review status: criteria provided, single submitter. Criteria: Invitae Variant Classification Sherloc (09022015). Collection method: clinical testing. Allele origin: germline.
Comment: Advanced modeling performed at Invitae incorporating data from internal and/or published experimental studies (PMID: 30209399) indicates that this missense variant is not expected to disrupt BRCA1 function. Experimental studies have shown that this missense change does not substantially affect BRCA1 function (PMID: 30209399). In summary, the available evidence is currently insufficient to determine the role of this variant in disease. Therefore, it has been classified as a Variant of Uncertain Significance. ClinVar contains an entry for this variant (Variation ID: 868634). This sequence change replaces glutamic acid, which is acidic and polar, with glycine, which is neutral and non-polar, at codon 1698 of the BRCA1 protein (p.Glu1698Gly). This variant is not present in population databases (gnomAD no frequency). This variant has not been reported in the literature in individuals affected with BRCA1-related conditions.

Brotman Baty Institute, University of Washington
No classification provided (evidence only). Condition: Breast-ovarian cancer, familial 1. Review status: no classification provided. Collection method: in vitro. Allele origin: not applicable. Functional consequence: functionally_normal. Not counted in ClinVar's aggregate classification.
ClinVar note: "not provided" was previously submitted as the classification for the variant. However, the classification appeared to be based only on an observation of functional data so it was converted to no classification on 2025-07-30.

Literature cited by the submitters: PubMed 30209399 (cited by Labcorp Genetics (formerly Invitae), Labcorp).